The following is an entry in ClinVar:

NM_015221.4(DNMBP):c.3039C>T (p.Gly1013=)

Gene: DNMBP (dynamin binding protein; minus strand). Cytogenetic location: 10q24.2.
Variant type: single nucleotide variant.
Coding change: c.3039C>T on transcript NM_015221.4 (MANE Select); coding-DNA position 3039, C replaced by T.
Protein change: p.Gly1013=; no amino-acid change (glycine 1013 retained).
Molecular consequence: synonymous variant. On other transcripts: 5 prime UTR variant (1), non-coding transcript variant (2).
Genome position (GRCh38, 1-based): chr10:99,896,279, G>A on the plus strand (C>T on the coding strand, the complement: DNMBP is on the minus strand). VCF-style: chr10-99896279-G-A. GRCh37 (hg19) VCF-style: chr10-101656036-G-A.
Other names: c.1935C>T, p.Gly645= (NM_001318326.2); c.777C>T, p.Gly259= (NM_001318327.2, NM_001441290.1); c.3039C>T, p.Gly1013= (NM_001441287.1, NM_001441288.1); c.549C>T, p.Gly183= (NM_001441291.1); c.261C>T, p.Gly87= (NM_001441292.1); c.-255C>T (NM_001441293.1).
Identifiers: ClinVar variation 4874438 (VCV004874438.2).

ClinVar aggregate classification (germline): Likely benign (1 of 4 stars; one submission).

Submission:

CeGaT Center for Human Genetics Tuebingen
Classification: Likely benign. Last evaluated: 2026-06-01. Review status: criteria provided, single submitter. Criteria: CeGaT Center For Human Genetics Tuebingen Variant Classification Criteria Version 2. Collection method: clinical testing. Allele origin: germline. Affected: yes. Observed: 1 variant allele.
Comment: DNMBP: PM2:Supporting, BP4, BP7